The following is an entry in ClinVar:

ClinVar aggregate classification (germline): Likely benign (1 of 4 stars; one submission).

gnomAD v4.1: 5 of 1,207,031 alleles (0.00041%); highest among the groups gnomAD compares: Non-Finnish European, 0.00056%; no homozygotes.

Submission:

CeGaT Center for Human Genetics Tuebingen
Classification: Likely benign. Last evaluated: 2026-09-01. Review status: criteria provided, single submitter. Criteria: CeGaT Center For Human Genetics Tuebingen Variant Classification Criteria Version 2. Collection method: clinical testing. Allele origin: germline. Affected: yes. Observed: 1 variant allele.
Comment: PHF8: BP4, BS2

NM_015107.3(PHF8):c.1863T>C (p.Ile621=)

Gene: PHF8 (PHD finger protein 8; minus strand). Cytogenetic location: Xp11.22.
Variant type: single nucleotide variant.
Coding change: c.1863T>C on transcript NM_015107.3 (MANE Select); coding-DNA position 1863, T replaced by C.
Protein change: p.Ile621=; no amino-acid change (isoleucine 621 retained).
Molecular consequence: synonymous variant.
Genome position (GRCh38, 1-based): chrX:53,987,812, A>G on the plus strand (T>C on the coding strand, the complement: PHF8 is on the minus strand). VCF-style: chrX-53987812-A-G. GRCh37 (hg19) VCF-style: chrX-54014245-A-G.
Other names: c.1971T>C, p.Ile657= (NM_001184896.1, NM_001441097.1); c.1560T>C, p.Ile520= (NM_001184897.2); c.1863T>C, p.Ile621= (NM_001184898.2); c.1668T>C, p.Ile556= (NM_001441096.1, NM_001441098.1).
Identifiers: ClinVar variation 5041083 (VCV005041083.1).
Genomic context (GRCh38, chrX:53,987,812, plus strand): 5'-GAACAGACACACACTTGGTCTTATTATCAGGGTCGCCTTCTCCTTTCCCAATCTCTCGTC[A>G]ATCTGCAGCTCATCATCTGAATCCAAGTCAAATTCGTCTTCCATCACCTGTTCTGCCATC-3'
Protein context (NP_055922.1, residues 611-631): FDLDSDDELQ[Ile621=]DERLGKEKAT